The following is an entry in ClinVar:

ClinVar aggregate classification (germline): Benign/Likely benign. Review status: criteria provided, multiple submitters, no conflicts (2 of 4 stars). 4 submissions from 4 submitters: Benign (1); Likely benign (2). 1 of the submissions does not count toward it. Last evaluated 2025-07-29.

Conditions:
CACNA1D-related disorder.

Allele frequency attached by ClinVar (database versions not stated): gnomAD 0.00006; ESP Exome Variant Server 0.00008; ExAC 0.00015.
gnomAD v4.1: 128 of 1,614,146 alleles (0.0079%); highest among the groups gnomAD compares: Middle Eastern, 0.066%; 1 homozygote.

Submissions (4):

Labcorp Genetics (formerly Invitae), Labcorp
Classification: Benign. Last evaluated: 2025-07-29. Review status: criteria provided, single submitter. Criteria: Invitae Variant Classification Sherloc (09022015). Collection method: clinical testing. Allele origin: germline.

Mayo Clinic Laboratories, Mayo Clinic
Classification: Likely benign. Last evaluated: 2025-05-29. Review status: criteria provided, single submitter. Criteria: ACMG Guidelines, 2015. Collection method: clinical testing. Allele origin: germline. Observed: 2 variant alleles.
Comment: BP4, BP7, PM2_supporting

GeneDx
Classification: Likely benign. Last evaluated: 2021-06-15. Review status: criteria provided, single submitter. Criteria: GeneDx Variant Classification Process June 2021. Collection method: clinical testing. Allele origin: germline. Affected: yes.

PreventionGenetics, part of Exact Sciences
Classification: Likely benign for CACNA1D-related condition. Last evaluated: 2020-06-17. Review status: no assertion criteria provided. Collection method: clinical testing. Allele origin: germline. Not counted in ClinVar's aggregate classification.
Comment: This variant is classified as likely benign based on ACMG/AMP sequence variant interpretation guidelines (Richards et al. 2015 PMID: 25741868, with internal and published modifications).

NM_001128840.3(CACNA1D):c.1023C>T (p.Asn341=)

Gene: CACNA1D (calcium voltage-gated channel subunit alpha1 D; plus strand). Cytogenetic location: 3p21.1.
Variant type: single nucleotide variant.
Coding change: c.1023C>T on transcript NM_001128840.3 (MANE Select); coding-DNA position 1023, C replaced by T.
Protein change: p.Asn341=; no amino-acid change (asparagine 341 retained).
Molecular consequence: synonymous variant.
Genome position (GRCh38, 1-based): chr3:53,666,442, C>T. VCF-style: chr3-53666442-C-T. GRCh37 (hg19) VCF-style: chr3-53700469-C-T.
Other names: p.Asn341=; c.1023C>T (NM_000720.3); c.1023C>T, p.Asn341= (NM_000720.4, NM_001128839.3).
Identifiers: ClinVar variation 1216823 (VCV001216823.14), dbSNP rs201819347, ClinGen allele CA2453811.